The following is an entry in ClinVar:

NM_002693.3(POLG):c.490C>G (p.Pro164Ala)

Genes: POLG (DNA polymerase gamma, catalytic subunit; minus strand), POLGARF (POLG alternative reading frame; minus strand). Cytogenetic location: 15q26.1.
Variant type: single nucleotide variant.
Coding change: c.490C>G on transcript NM_002693.3 (MANE Select); coding-DNA position 490, C replaced by G.
Protein change: p.Pro164Ala; replaces proline 164 with alanine.
Molecular consequence: missense variant.
Genome position (GRCh38, 1-based): chr15:89,333,265, G>C on the plus strand (C>G on the coding strand, the complement: POLG is on the minus strand). VCF-style: chr15-89333265-G-C. GRCh37 (hg19) VCF-style: chr15-89876496-G-C.
Other names: c.490C>G, p.Pro164Ala (NM_001126131.2); short protein forms P164A.
Identifiers: ClinVar variation 1219452 (VCV001219452.7), dbSNP rs779208296, ClinGen allele CA7725106.

ClinVar aggregate classification (germline): Uncertain significance. Review status: criteria provided, multiple submitters, no conflicts (2 of 4 stars). 3 submissions from 3 submitters: Uncertain significance (3). Last evaluated 2025-11-08.

Conditions:
Inborn genetic diseases. Identifiers: MedGen C0950123, MeSH D030342.
Progressive sclerosing poliodystrophy (MTDPS4A). Also called: ALPERS PROGRESSIVE INFANTILE POLIODYSTROPHY; Alpers-Huttenlocher Syndrome (AHS); NEURONAL DEGENERATION OF CHILDHOOD WITH LIVER DISEASE, PROGRESSIVE; Mitochondrial DNA depletion syndrome 4A (Alpers type); Mitochondrial DNA Depletion Syndrome 4A; Alpers Syndrome. Identifiers: Orphanet 726, MedGen C0205710, MONDO:0008758, OMIM 203700.

Allele frequency attached by ClinVar (database versions not stated): gnomAD 0.00001; gnomAD exomes 0.00001; TOPMed 0.00001; ExAC 0.00004.
gnomAD v4.1: 2 of 1,561,364 alleles (0.00013%); highest among the groups gnomAD compares: Non-Finnish European, 0.00017%; no homozygotes.

Submissions (3):

Ambry Genetics
Classification: Uncertain significance for Inborn genetic diseases. Last evaluated: 2025-11-08. Review status: criteria provided, single submitter. Criteria: Ambry Variant Classification Scheme 2023. Collection method: clinical testing. Allele origin: germline.

GeneDx
Classification: Uncertain significance. Last evaluated: 2023-03-03. Review status: criteria provided, single submitter. Criteria: GeneDx Variant Classification Process June 2021. Collection method: clinical testing. Allele origin: germline. Affected: yes.
Comment: Not observed at significant frequency in large population cohorts (gnomAD); In silico analysis supports that this missense variant does not alter protein structure/function; Has not been previously published as pathogenic or benign to our knowledge

Labcorp Genetics (formerly Invitae), Labcorp
Classification: Uncertain significance for Progressive sclerosing poliodystrophy. Last evaluated: 2022-03-25. Review status: criteria provided, single submitter. Criteria: Invitae Variant Classification Sherloc (09022015). Collection method: clinical testing. Allele origin: germline.
Comment: This sequence change replaces proline, which is neutral and non-polar, with alanine, which is neutral and non-polar, at codon 164 of the POLG protein (p.Pro164Ala). This variant is present in population databases (rs779208296, gnomAD 0.001%). This variant has not been reported in the literature in individuals affected with POLG-related conditions. ClinVar contains an entry for this variant (Variation ID: 1219452). Algorithms developed to predict the effect of missense changes on protein structure and function output the following: SIFT: "Tolerated"; PolyPhen-2: "Benign"; Align-GVGD: "Class C0". The alanine amino acid residue is found in multiple mammalian species, which suggests that this missense change does not adversely affect protein function. In summary, the available evidence is currently insufficient to determine the role of this variant in disease. Therefore, it has been classified as a Variant of Uncertain Significance.